The following is an entry in ClinVar:

NM_001042492.3(NF1):c.6596del (p.Ala2198_Leu2199insTer)

Gene: NF1 (neurofibromin 1; plus strand). Cytogenetic location: 17q11.2.
Variant type: Deletion.
Coding change: c.6596del on transcript NM_001042492.3 (MANE Select); coding-DNA position 6596, one base deleted (T; older notation c.6596delT).
Protein change: p.Ala2198_Leu2199insTer.
Molecular consequence: nonsense.
Genome position (GRCh38, 1-based): chr17:31,337,536, T deleted; the last of 3 consecutive T bases (chr17:31,337,534-31,337,536); deleting any one gives the same sequence. VCF-style (leftmost placement, unchanged base first): chr17-31337533-CT-C. GRCh37 (hg19) VCF-style: chr17-29664551-CT-C.
Other names: c.6533del, p.Ala2177_Leu2178insTer (NM_000267.4).
Identifiers: ClinVar variation 4876062 (VCV004876062.1).

ClinVar aggregate classification (germline): Pathogenic (1 of 4 stars; one submission).

Conditions:
Neurofibromatosis, type 1 (NF1). Also called: VON RECKLINGHAUSEN DISEASE; NEUROFIBROMATOSIS, TYPE I, SOMATIC; Peripheral type neurofibromatosis; Neurofibromatosis, type I. Identifiers: Orphanet 636, MedGen C0027831, MONDO:0018975, OMIM 162200. Disease mechanism: loss of function.

Submission:

Myriad Genetics, Inc.
Classification: Pathogenic for Neurofibromatosis, type 1. Last evaluated: 2026-05-22. Review status: criteria provided, single submitter. Criteria: Myriad Autosomal Dominant, Autosomal Recessive and X-Linked Classification Criteria (2023). Collection method: clinical testing. Allele origin: unknown.
Comment: This variant is considered pathogenic. This variant creates a termination codon and is predicted to result in premature protein truncation.